The following is an entry in ClinVar:

ClinVar aggregate classification (germline): Uncertain significance (1 of 4 stars; one submission).

Allele frequency attached by ClinVar (database versions not stated): gnomAD exomes below 0.00001.
gnomAD v4.1: 7 of 1,614,132 alleles (0.00043%); highest among the groups gnomAD compares: Non-Finnish European, 0.00059%; no homozygotes.

Submission:

Labcorp Genetics (formerly Invitae), Labcorp
Classification: Uncertain significance. Last evaluated: 2020-09-16. Review status: criteria provided, single submitter. Criteria: Invitae Variant Classification Sherloc (09022015). Collection method: clinical testing. Allele origin: germline.
Comment: In summary, the available evidence is currently insufficient to determine the role of this variant in disease. Therefore, it has been classified as a Variant of Uncertain Significance. Algorithms developed to predict the effect of missense changes on protein structure and function (SIFT, PolyPhen-2, Align-GVGD) all suggest that this variant is likely to be tolerated, but these predictions have not been confirmed by published functional studies and their clinical significance is uncertain. This variant has not been reported in the literature in individuals with PLK4-related conditions. This variant is not present in population databases (ExAC no frequency). This sequence change replaces lysine with glutamic acid at codon 525 of the PLK4 protein (p.Lys525Glu). The lysine residue is weakly conserved and there is a small physicochemical difference between lysine and glutamic acid.

NM_014264.5(PLK4):c.1573A>G (p.Lys525Glu)

Gene: PLK4 (polo like kinase 4; plus strand). Cytogenetic location: 4q28.1.
Variant type: single nucleotide variant.
Coding change: c.1573A>G on transcript NM_014264.5 (MANE Select); coding-DNA position 1573, A replaced by G.
Protein change: p.Lys525Glu; replaces lysine 525 with glutamic acid.
Molecular consequence: missense variant.
Genome position (GRCh38, 1-based): chr4:127,889,979, A>G. VCF-style: chr4-127889979-A-G. GRCh37 (hg19) VCF-style: chr4-128811134-A-G.
Other names: c.1477A>G, p.Lys493Glu (NM_001190799.2); c.1450A>G, p.Lys484Glu (NM_001190801.2); short protein forms K484E, K525E, K493E.
Identifiers: ClinVar variation 1045428 (VCV001045428.5), dbSNP rs1230951351, ClinGen allele CA358155639.